The following is an entry in ClinVar:

ClinVar aggregate classification (germline): Likely benign (0 of 4 stars; one submission).

Conditions:
EZR-related disorder. Also called: EZR-related condition.

Allele frequency attached by ClinVar (database versions not stated): gnomAD exomes below 0.00001.
gnomAD v4.1: 6 of 1,613,006 alleles (0.00037%); highest among the groups gnomAD compares: Non-Finnish European, 0.00034%; no homozygotes.

Submission:

PreventionGenetics, part of Exact Sciences
Classification: Likely benign for EZR-related condition. Last evaluated: 2019-03-29. Review status: no assertion criteria provided. Collection method: clinical testing. Allele origin: germline.
Comment: This variant is classified as likely benign based on ACMG/AMP sequence variant interpretation guidelines (Richards et al. 2015 PMID: 25741868, with internal and published modifications).

NM_001111077.2(EZR):c.552-6A>G

Gene: EZR (ezrin; minus strand). Cytogenetic location: 6q25.3.
Variant type: single nucleotide variant.
Coding change: c.552-6A>G on transcript NM_001111077.2 (MANE Select); 6 bases into the intron before coding-DNA position 552, A replaced by G.
Molecular consequence: intron variant.
Genome position (GRCh38, 1-based): chr6:158,783,672, T>C on the plus strand (A>G on the coding strand, the complement: EZR is on the minus strand). VCF-style: chr6-158783672-T-C. GRCh37 (hg19) VCF-style: chr6-159204704-T-C.
Other names: c.552-6A>G (NM_003379.5).
Identifiers: ClinVar variation 3057389 (VCV003057389.2), dbSNP rs1791489091, ClinGen allele CA1676289383.
Genomic context (GRCh38, chr6:158,783,672, plus strand): 5'-TCCATACATTTCCAGGTCCTGAGCAATCTTCAGGTATTCCAACATAGCATTATCTCTAAT[T>C]GGGGAGAGTGAAACAGGCAGAGTCACTGGTAGCACTCAATATCTAGAACAGTAAAACCTT-3'